The following is an entry in ClinVar:

ClinVar aggregate classification (germline): Uncertain significance. Review status: criteria provided, multiple submitters, no conflicts (2 of 4 stars). 4 submissions from 4 submitters: Uncertain significance (4). Last evaluated 2024-06-18.

Conditions:
Inborn genetic diseases. Identifiers: MedGen C0950123, MeSH D030342.
Developmental and epileptic encephalopathy, 18 (DEE18). Also called: Early infantile epileptic encephalopathy 18. Identifiers: Orphanet 369894, MedGen C3809624, MONDO:0014201, OMIM 615476.

Allele frequency attached by ClinVar (database versions not stated): gnomAD 0.00001; gnomAD exomes 0.00001; TOPMed 0.00002.
gnomAD v4.1: 15 of 1,573,734 alleles (0.00095%); highest among the groups gnomAD compares: Middle Eastern, 0.017%; no homozygotes.

Submissions (4):

Blueprint Genetics
Classification: Uncertain significance. Last evaluated: 2024-06-18. Review status: criteria provided, single submitter. Criteria: ACMG Guidelines, 2015. Collection method: clinical testing. Allele origin: germline.

Genome-Nilou Lab
Classification: Uncertain significance for Developmental and epileptic encephalopathy, 18. Last evaluated: 2023-04-11. Review status: criteria provided, single submitter. Criteria: ACMG Guidelines, 2015. Collection method: clinical testing. Allele origin: germline. Affected: no.

Labcorp Genetics (formerly Invitae), Labcorp
Classification: Uncertain significance. Last evaluated: 2022-07-05. Review status: criteria provided, single submitter. Criteria: Invitae Variant Classification Sherloc (09022015). Collection method: clinical testing. Allele origin: germline.
Comment: ClinVar contains an entry for this variant (Variation ID: 945771). This variant has not been reported in the literature in individuals affected with SZT2-related conditions. This variant is not present in population databases (gnomAD no frequency). This sequence change replaces arginine, which is basic and polar, with tryptophan, which is neutral and slightly polar, at codon 736 of the SZT2 protein (p.Arg736Trp). Algorithms developed to predict the effect of missense changes on protein structure and function are either unavailable or do not agree on the potential impact of this missense change (SIFT: "Deleterious"; PolyPhen-2: "Probably Damaging"; Align-GVGD: "Class C0"). In summary, the available evidence is currently insufficient to determine the role of this variant in disease. Therefore, it has been classified as a Variant of Uncertain Significance.

Ambry Genetics
Classification: Uncertain significance for Inborn genetic diseases. Last evaluated: 2021-07-15. Review status: criteria provided, single submitter. Criteria: Ambry Variant Classification Scheme 2023. Collection method: clinical testing. Allele origin: germline.

NM_001365999.1(SZT2):c.2206C>T (p.Arg736Trp)

Gene: SZT2 (SZT2 subunit of KICSTOR complex; plus strand). Cytogenetic location: 1p34.2.
Variant type: single nucleotide variant.
Coding change: c.2206C>T on transcript NM_001365999.1 (MANE Select); coding-DNA position 2206, C replaced by T.
Protein change: p.Arg736Trp; replaces arginine 736 with tryptophan.
Molecular consequence: missense variant.
Genome position (GRCh38, 1-based): chr1:43,423,267, C>T. VCF-style: chr1-43423267-C-T. GRCh37 (hg19) VCF-style: chr1-43888938-C-T.
Other names: c.2206C>T, p.Arg736Trp (NM_015284.4); short protein forms R736W.
Identifiers: ClinVar variation 945771 (VCV000945771.12), dbSNP rs890611597, ClinGen allele CA21630732.